The following is an entry in ClinVar:

ClinVar aggregate classification (germline): Uncertain significance (1 of 4 stars; one submission).

Conditions:
Sulfite oxidase deficiency due to molybdenum cofactor deficiency type C. Also called: Molybdenum cofactor deficiency, complementation group C; Molybdenum cofactor deficiency C. Identifiers: Orphanet 308400, Orphanet 833, MedGen C1854990, MONDO:0014212, OMIM 615501.

Submission:

Labcorp Genetics (formerly Invitae), Labcorp
Classification: Uncertain significance for Sulfite oxidase deficiency due to molybdenum cofactor deficiency type C. Last evaluated: 2023-12-01. Review status: criteria provided, single submitter. Criteria: Invitae Variant Classification Sherloc (09022015). Collection method: clinical testing. Allele origin: germline.
Comment: This sequence change replaces serine, which is neutral and polar, with isoleucine, which is neutral and non-polar, at codon 338 of the GPHN protein (p.Ser338Ile). This variant is not present in population databases (gnomAD no frequency). This variant has not been reported in the literature in individuals affected with GPHN-related conditions. Advanced modeling of protein sequence and biophysical properties (such as structural, functional, and spatial information, amino acid conservation, physicochemical variation, residue mobility, and thermodynamic stability) performed at Invitae indicates that this missense variant is not expected to disrupt GPHN protein function with a negative predictive value of 80%. In summary, the available evidence is currently insufficient to determine the role of this variant in disease. Therefore, it has been classified as a Variant of Uncertain Significance.

NM_020806.5(GPHN):c.1013G>T (p.Ser338Ile)

Gene: GPHN (gephyrin; plus strand). Cytogenetic location: 14q23.3.
Variant type: single nucleotide variant.
Coding change: c.1013G>T on transcript NM_020806.5 (MANE Select); coding-DNA position 1013, G replaced by T.
Protein change: p.Ser338Ile; replaces serine 338 with isoleucine.
Molecular consequence: missense variant.
Genome position (GRCh38, 1-based): chr14:67,058,655, G>T. VCF-style: chr14-67058655-G-T. GRCh37 (hg19) VCF-style: chr14-67525372-G-T.
Other names: c.914G>T, p.Ser305Ile (NM_001024218.2); c.1073G>T, p.Ser358Ile (NM_001377514.1); c.1043G>T, p.Ser348Ile (NM_001377515.1); c.1034G>T, p.Ser345Ile (NM_001377516.1); c.986G>T, p.Ser329Ile (NM_001377517.1); c.971G>T, p.Ser324Ile (NM_001377518.1); c.953G>T, p.Ser318Ile (NM_001377519.1); short protein forms S305I, S345I, S329I, S358I, S318I, S324I, S338I, S348I.
Identifiers: ClinVar variation 2772227 (VCV002772227.3), dbSNP rs2075700924, ClinGen allele CA390258054.
Genomic context (GRCh38, chr14:67,058,655, plus strand): 5'-CTTTTTAATCAGTGTTACAGCATCATATTCTTAGTTAATTATCTTACTGTTTAGGTCACA[G>T]TGCTGTCGATATCACCAAGGTGGCTAGAAGACATCGCATGTCTCCTTTTCCTCTGACATC-3'
Protein context (NP_065857.1, residues 328-348): SKENILRASH[Ser338Ile]AVDITKVARR